The following is an entry in ClinVar:

NM_001384900.1(SEMA3D):c.948T>C (p.Asp316=)

Gene: SEMA3D (semaphorin 3D; minus strand). Cytogenetic location: 7q21.11.
Variant type: single nucleotide variant.
Coding change: c.948T>C on transcript NM_001384900.1 (MANE Select); coding-DNA position 948, T replaced by C.
Protein change: p.Asp316=; no amino-acid change (aspartic acid 316 retained).
Molecular consequence: synonymous variant.
Genome position (GRCh38, 1-based): chr7:85,042,199, A>G on the plus strand (T>C on the coding strand, the complement: SEMA3D is on the minus strand). VCF-style: chr7-85042199-A-G. GRCh37 (hg19) VCF-style: chr7-84671515-A-G.
Other names: c.948T>C, p.Asp316= (NM_001384901.1, NM_001384902.1, NM_001384903.1 and 1 more transcripts).
Identifiers: ClinVar variation 4987016 (VCV004987016.1).

ClinVar aggregate classification (germline): Likely benign (1 of 4 stars; one submission).

Conditions:
SEMA3D-related disorder. Also called: SEMA3D-related condition.

gnomAD v4.1: 5 of 1,613,250 alleles (0.00031%); highest among the groups gnomAD compares: Admixed American, 0.0017%; no homozygotes.

Submission:

PreventionGenetics, part of Exact Sciences
Classification: Likely benign for SEMA3D-related condition. Last evaluated: 2024-10-25. Review status: criteria provided, single submitter. Criteria: ACMG Guidelines, 2015. Collection method: clinical testing. Allele origin: germline.
Comment: This variant is classified as likely benign based on ACMG/AMP sequence variant interpretation guidelines (Richards et al. 2015 PMID: 25741868, with internal and published modifications).